The following is an entry in ClinVar:

NM_014476.6(PDLIM3):c.222C>G (p.His74Gln)

Gene: PDLIM3 (PDZ and LIM domain 3; minus strand). Cytogenetic location: 4q35.1.
Variant type: single nucleotide variant.
Coding change: c.222C>G on transcript NM_014476.6 (MANE Select); coding-DNA position 222, C replaced by G.
Protein change: p.His74Gln; replaces histidine 74 with glutamine.
Molecular consequence: missense variant. On other transcripts: non-coding transcript variant (1), intron variant (1).
Genome position (GRCh38, 1-based): chr4:185,525,043, G>C on the plus strand (C>G on the coding strand, the complement: PDLIM3 is on the minus strand). VCF-style: chr4-185525043-G-C. GRCh37 (hg19) VCF-style: chr4-186446197-G-C.
Other names: c.222C>G, p.His74Gln (NM_001114107.5, NM_001257962.2); c.93+10299C>G (NM_001257963.2); short protein forms H74Q.
Identifiers: ClinVar variation 1788067 (VCV001788067.5), dbSNP rs2095730589, ClinGen allele CA358928589.
Genomic context (GRCh38, chr4:185,525,043, plus strand): 5'-AACAGATCAGATTTAAGCACCATTAGTTAAGAAGCACCTGTCAATTTTGAGACACAGCTG[G>C]TGAGCTGCTGCTTTAATCCTGTCCTGCGCATCAGCATGAGTCATGGACTCTGTCCCAAAG-3'
Protein context (NP_055291.2, residues 64-84): DAQDRIKAAA[His74Gln]QLCLKIDRGE

ClinVar aggregate classification (germline): Uncertain significance. Review status: criteria provided, multiple submitters, no conflicts (2 of 4 stars). 2 submissions from 2 submitters: Uncertain significance (2). Last evaluated 2023-10-04.

Conditions:
Primary dilated cardiomyopathy (DCM). Also called: Dilated Cardiomyopathy. Identifiers: Orphanet 217604, MedGen C0007193, MeSH D002311, MONDO:0005021, HP:0001644. Inheritance: Various modes of inheritance.
Hypertrophic cardiomyopathy. Also called: HYPERTROPHIC MYOCARDIOPATHY. Identifiers: Orphanet 217569, MedGen C0007194, MeSH D002312, MONDO:0005045, HP:0001639.

Allele frequency attached by ClinVar (database versions not stated): gnomAD 0.00001; TOPMed 0.00001.
gnomAD v4.1: 1 of 1,614,026 alleles (0.000062%); highest among the groups gnomAD compares: African/African-American, 0.0013%; no homozygotes.

Submissions (2):

Labcorp Genetics (formerly Invitae), Labcorp
Classification: Uncertain significance for Hypertrophic cardiomyopathy; Primary dilated cardiomyopathy. Last evaluated: 2023-10-04. Review status: criteria provided, single submitter. Criteria: Invitae Variant Classification Sherloc (09022015). Collection method: clinical testing. Allele origin: germline.
Comment: This sequence change replaces histidine, which is basic and polar, with glutamine, which is neutral and polar, at codon 74 of the PDLIM3 protein (p.His74Gln). This variant is not present in population databases (gnomAD no frequency). This variant has not been reported in the literature in individuals affected with PDLIM3-related conditions. ClinVar contains an entry for this variant (Variation ID: 1788067). Advanced modeling of protein sequence and biophysical properties (such as structural, functional, and spatial information, amino acid conservation, physicochemical variation, residue mobility, and thermodynamic stability) performed at Invitae indicates that this missense variant is not expected to disrupt PDLIM3 protein function. In summary, the available evidence is currently insufficient to determine the role of this variant in disease. Therefore, it has been classified as a Variant of Uncertain Significance.

Ambry Genetics
Classification: Uncertain significance. Last evaluated: 2022-10-27. Review status: criteria provided, single submitter. Criteria: Ambry Variant Classification Scheme 2023. Collection method: clinical testing. Allele origin: germline.
Comment: The p.H74Q variant (also known as c.222C>G), located in coding exon 2 of the PDLIM3 gene, results from a C to G substitution at nucleotide position 222. The histidine at codon 74 is replaced by glutamine, an amino acid with highly similar properties. This amino acid position is conserved. In addition, this alteration is predicted to be tolerated by in silico analysis. Since supporting evidence is limited at this time, the clinical significance of this alteration remains unclear.